The following is an entry in ClinVar:

ClinVar aggregate classification (germline): Uncertain significance (1 of 4 stars; one submission).

Conditions:
Neuronal ceroid lipofuscinosis. Also called: Neuronal Ceroid Lipofuscinoses. Identifiers: Orphanet 216, Orphanet 79263, MedGen C0027877, MONDO:0016295. Disease mechanism: loss of function.

Allele frequency attached by ClinVar (database versions not stated): TOPMed below 0.00001.

Submission:

Labcorp Genetics (formerly Invitae), Labcorp
Classification: Uncertain significance for Neuronal ceroid lipofuscinosis. Last evaluated: 2022-08-11. Review status: criteria provided, single submitter. Criteria: Invitae Variant Classification Sherloc (09022015). Collection method: clinical testing. Allele origin: germline.
Comment: This sequence change replaces threonine, which is neutral and polar, with serine, which is neutral and polar, at codon 284 of the CTSD protein (p.Thr284Ser). In summary, the available evidence is currently insufficient to determine the role of this variant in disease. Therefore, it has been classified as a Variant of Uncertain Significance. Algorithms developed to predict the effect of missense changes on protein structure and function (SIFT, PolyPhen-2, Align-GVGD) all suggest that this variant is likely to be tolerated. This variant has not been reported in the literature in individuals affected with CTSD-related conditions. This variant is not present in population databases (gnomAD no frequency).

NM_001909.5(CTSD):c.851C>G (p.Thr284Ser)

Gene: CTSD (cathepsin D; minus strand). Cytogenetic location: 11p15.5.
Variant type: single nucleotide variant.
Coding change: c.851C>G on transcript NM_001909.5 (MANE Select); coding-DNA position 851, C replaced by G.
Protein change: p.Thr284Ser; replaces threonine 284 with serine.
Molecular consequence: missense variant.
Genome position (GRCh38, 1-based): chr11:1,754,115, G>C on the plus strand (C>G on the coding strand, the complement: CTSD is on the minus strand). VCF-style: chr11-1754115-G-C. GRCh37 (hg19) VCF-style: chr11-1775345-G-C.
Other names: short protein forms T284S.
Identifiers: ClinVar variation 2045217 (VCV002045217.4), dbSNP rs1845764679, ClinGen allele CA379094112.